The following is an entry in ClinVar:

NM_006218.4(PIK3CA):c.2758A>G (p.Asn920Asp)

Gene: PIK3CA (phosphatidylinositol-4,5-bisphosphate 3-kinase catalytic subunit alpha; plus strand). Cytogenetic location: 3q26.32.
Variant type: single nucleotide variant.
Coding change: c.2758A>G on transcript NM_006218.4 (MANE Select); coding-DNA position 2758, A replaced by G.
Protein change: p.Asn920Asp; replaces asparagine 920 with aspartic acid.
Molecular consequence: missense variant.
Genome position (GRCh38, 1-based): chr3:179,230,095, A>G. VCF-style: chr3-179230095-A-G. GRCh37 (hg19) VCF-style: chr3-178947883-A-G.
Other names: c.2758A>G (LRG_310t1); short protein forms N920D.
Identifiers: ClinVar variation 421698 (VCV000421698.2), dbSNP rs1064795304, ClinGen allele CA16617852.

ClinVar aggregate classification (germline): Likely pathogenic (1 of 4 stars; one submission).

Submission:

GeneDx
Classification: Likely pathogenic. Last evaluated: 2016-07-19. Review status: criteria provided, single submitter. Criteria: GeneDx Variant Classification (06012015). Collection method: clinical testing. Allele origin: germline. Affected: yes.
Comment: The N920D variant in the PIK3CA gene has not been reported previously as a pathogenic variant, nor as a benign variant, to our knowledge. The N920D variant was not observed in approximately 6,000 individuals of European and African American ancestry in the NHLBI Exome Sequencing Project, indicating it is not a common benign variant in these populations. The N920D variant is a semi-conservative amino acid substitution, which may impact secondary protein structure as these residues differ in some properties. This substitution occurs at a position that is conserved across species, and in silico analysis predicts this variant is probably damaging to the protein structure/function. The N920D variant is a strong candidate for a pathogenic variant, however, the possibility it may be a rare benign variant cannot be excluded.